The following is an entry in ClinVar:

ClinVar aggregate classification (germline): Uncertain significance (1 of 4 stars; one submission).

Allele frequency attached by ClinVar (database versions not stated): TOPMed below 0.00001; ExAC 0.00001; gnomAD exomes 0.00001; ESP Exome Variant Server 0.00008.
gnomAD v4.1: 12 of 1,614,150 alleles (0.00074%); highest among the groups gnomAD compares: Non-Finnish European, 0.001%; no homozygotes.

Submission:

Labcorp Genetics (formerly Invitae), Labcorp
Classification: Uncertain significance. Last evaluated: 2024-10-28. Review status: criteria provided, single submitter. Criteria: Invitae Variant Classification Sherloc (09022015). Collection method: clinical testing. Allele origin: germline.
Comment: This sequence change replaces glutamine, which is neutral and polar, with arginine, which is basic and polar, at codon 1186 of the LRRK1 protein (p.Gln1186Arg). This variant is present in population databases (rs373432119, gnomAD 0.002%). This variant has not been reported in the literature in individuals affected with LRRK1-related conditions. ClinVar contains an entry for this variant (Variation ID: 1417140). An algorithm developed to predict the effect of missense changes on protein structure and function (PolyPhen-2) suggests that this variant is likely to be tolerated. In summary, the available evidence is currently insufficient to determine the role of this variant in disease. Therefore, it has been classified as a Variant of Uncertain Significance.

NM_024652.6(LRRK1):c.3557A>G (p.Gln1186Arg)

Genes: LRRK1 (leucine rich repeat kinase 1; plus strand), LRRK1-AS1 (LRRK1 antisense RNA 1; minus strand). Cytogenetic location: 15q26.3.
Variant type: single nucleotide variant.
Coding change: c.3557A>G on transcript NM_024652.6 (MANE Select); coding-DNA position 3557, A replaced by G.
Protein change: p.Gln1186Arg; replaces glutamine 1186 with arginine.
Molecular consequence: missense variant.
Genome position (GRCh38, 1-based): chr15:101,051,828, A>G. VCF-style: chr15-101051828-A-G. GRCh37 (hg19) VCF-style: chr15-101592033-A-G.
Other names: short protein forms Q1186R.
Identifiers: ClinVar variation 1417140 (VCV001417140.6), dbSNP rs373432119, ClinGen allele CA7761558.